The following is an entry in ClinVar:

NM_001231.5(CASQ1):c.16A>G (p.Arg6Gly)

Gene: CASQ1 (calsequestrin 1; plus strand). Cytogenetic location: 1q23.2.
Variant type: single nucleotide variant.
Coding change: c.16A>G on transcript NM_001231.5 (MANE Select); coding-DNA position 16, A replaced by G.
Protein change: p.Arg6Gly; replaces arginine 6 with glycine.
Molecular consequence: missense variant.
Genome position (GRCh38, 1-based): chr1:160,190,767, A>G. VCF-style: chr1-160190767-A-G. GRCh37 (hg19) VCF-style: chr1-160160557-A-G.
Other names: short protein forms R6G.
Identifiers: ClinVar variation 2826417 (VCV002826417.3), dbSNP rs2525040284, ClinGen allele CA343248815.
Genomic context (GRCh38, chr1:160,190,767, plus strand): 5'-AACCTCTTCTGGACCAGGAGAGCCAACCCAGATCCCACTACCTCCATGAGTGCTACAGAC[A>G]GGATGGGGCCCAGAGCTGTGCCGGGTCTGCGGCTGGCACTGCTGTTGCTGCTGGTGCTAG-3'
Protein context (NP_001222.3, residues 1-16): MSATD[Arg6Gly]MGPRAVPGLR

ClinVar aggregate classification (germline): Uncertain significance (1 of 4 stars; one submission).

Submission:

Labcorp Genetics (formerly Invitae), Labcorp
Classification: Uncertain significance. Last evaluated: 2023-02-22. Review status: criteria provided, single submitter. Criteria: Invitae Variant Classification Sherloc (09022015). Collection method: clinical testing. Allele origin: germline.
Comment: This sequence change replaces arginine, which is basic and polar, with glycine, which is neutral and non-polar, at codon 6 of the CASQ1 protein (p.Arg6Gly). This variant is not present in population databases (gnomAD no frequency). This variant has not been reported in the literature in individuals affected with CASQ1-related conditions. Algorithms developed to predict the effect of missense changes on protein structure and function output the following: SIFT: "Not Available"; PolyPhen-2: "Possibly Damaging"; Align-GVGD: "Not Available". The glycine amino acid residue is found in multiple mammalian species, which suggests that this missense change does not adversely affect protein function. In summary, the available evidence is currently insufficient to determine the role of this variant in disease. Therefore, it has been classified as a Variant of Uncertain Significance.